The following is an entry in ClinVar:

NM_000540.3(RYR1):c.9685+1G>A

Gene: RYR1 (ryanodine receptor 1; plus strand). Cytogenetic location: 19q13.2.
Variant type: single nucleotide variant.
Coding change: c.9685+1G>A on transcript NM_000540.3 (MANE Select); the canonical splice donor site of the intron after coding-DNA position 9685, G replaced by A.
Molecular consequence: splice donor variant.
Genome position (GRCh38, 1-based): chr19:38,516,218, G>A. VCF-style: chr19-38516218-G-A. GRCh37 (hg19) VCF-style: chr19-39006858-G-A.
Other names: c.9685+1G>A (NM_001042723.2).
Identifiers: ClinVar variation 4758298 (VCV004758298.1).

ClinVar aggregate classification (germline): Uncertain significance (1 of 4 stars; one submission).

Conditions:
Malignant hyperthermia, susceptibility to, 1 (MHS1). Also called: RYR1-Related Malignant Hyperthermia Susceptibility; Malignant hyperthermia suceptibility 1; Anesthesia related hyperthermia; Malignant hyperpyrexia; Fulminating hyperpyrexia; Pharmacogenic myopathy. Identifiers: Orphanet 423, MedGen C2930980, MONDO:0007783, OMIM 145600.

Submission:

Color Diagnostics, LLC DBA Color Health
Classification: Uncertain significance for Malignant hyperthermia, susceptibility to, 1. Last evaluated: 2025-10-10. Review status: criteria provided, single submitter. Criteria: ACMG Guidelines, 2015. Collection method: clinical testing. Allele origin: germline.
Comment: This variant causes a G to A substitution at the +1 position of intron 65 in the RYR1 protein. To our knowledge, functional studies have not been reported for this variant. This variant has not been reported in individuals affected with RYR1-related disorders in the literature. This variant has been identified in 1/152248 chromosomes in the general population by the Genome Aggregation Database (gnomAD). Loss of RYR1 gene function due to haploinsufficiency is not an established disease mechanism for autosomal dominant malignant hyperthermia susceptibility. Therefore, this variant is classified as a Variant of Uncertain Significance.